The following is an entry in ClinVar:

NM_205836.3(FBXO38):c.1208A>G (p.Lys403Arg)

Gene: FBXO38 (F-box protein 38; plus strand). Cytogenetic location: 5q32.
Variant type: single nucleotide variant.
Coding change: c.1208A>G on transcript NM_205836.3 (MANE Select); coding-DNA position 1208, A replaced by G.
Protein change: p.Lys403Arg; replaces lysine 403 with arginine.
Molecular consequence: missense variant.
Genome position (GRCh38, 1-based): chr5:148,414,250, A>G. VCF-style: chr5-148414250-A-G. GRCh37 (hg19) VCF-style: chr5-147793813-A-G.
Other names: c.1208A>G, p.Lys403Arg (NM_001271723.2, NM_030793.5); short protein forms K403R.
Identifiers: ClinVar variation 2441399 (VCV002441399.6), dbSNP rs1290446201, ClinGen allele CA361658810.

ClinVar aggregate classification (germline): Uncertain significance. Review status: criteria provided, multiple submitters, no conflicts (2 of 4 stars). 2 submissions from 2 submitters: Uncertain significance (2). Last evaluated 2023-07-14.

Conditions:
Distal hereditary motor neuropathy type 2. Identifiers: Orphanet 139525, MedGen C3711384, MeSH C580044, MONDO:0015352.
Neuronopathy, distal hereditary motor, type 2D. Also called: SPINAL MUSCULAR ATROPHY, DISTAL, AUTOSOMAL DOMINANT, CALF-PREDOMINANT; HMN IID; NEURONOPATHY, DISTAL HEREDITARY MOTOR, AUTOSOMAL DOMINANT 6; NEURONOPATHY, DISTAL HEREDITARY MOTOR, HARDING TYPE IID; NEUROPATHY, DISTAL HEREDITARY MOTOR, HARDING TYPE IID. Identifiers: Orphanet 139525, MedGen C3888271, MONDO:0014259, OMIM 615575.

Allele frequency attached by ClinVar (database versions not stated): gnomAD 0.00001; gnomAD exomes 0.00001; TOPMed 0.00002.
gnomAD v4.1: 16 of 1,608,670 alleles (0.00099%); highest among the groups gnomAD compares: Non-Finnish European, 0.0014%; no homozygotes.

Submissions (2):

Labcorp Genetics (formerly Invitae), Labcorp
Classification: Uncertain significance for Distal hereditary motor neuropathy type 2. Last evaluated: 2023-07-14. Review status: criteria provided, single submitter. Criteria: Invitae Variant Classification Sherloc (09022015). Collection method: clinical testing. Allele origin: germline.
Comment: This variant has not been reported in the literature in individuals affected with FBXO38-related conditions. This variant is not present in population databases (gnomAD no frequency). This sequence change replaces lysine, which is basic and polar, with arginine, which is basic and polar, at codon 403 of the FBXO38 protein (p.Lys403Arg). ClinVar contains an entry for this variant (Variation ID: 2441399). In summary, the available evidence is currently insufficient to determine the role of this variant in disease. Therefore, it has been classified as a Variant of Uncertain Significance. Advanced modeling of protein sequence and biophysical properties (such as structural, functional, and spatial information, amino acid conservation, physicochemical variation, residue mobility, and thermodynamic stability) performed at Invitae indicates that this missense variant is not expected to disrupt FBXO38 protein function.

Revvity Omics, Revvity
Classification: Uncertain significance for Neuronopathy, distal hereditary motor, type 2D. Last evaluated: 2021-05-17. Review status: criteria provided, single submitter. Criteria: ACMG Guidelines, 2015. Collection method: clinical testing. Allele origin: germline.